The following is an entry in ClinVar:

ClinVar aggregate classification (germline): Benign. Review status: reviewed by expert panel (3 of 4 stars). 15 submissions from 13 submitters: Benign (1). 14 of the submissions do not count toward it. Last evaluated 2025-01-02.

Conditions:
Mucopolysaccharidosis, MPS-I-H/S. Also called: Mucopolysaccharidosis type IH/S. Identifiers: Orphanet 93476, MedGen C0086431, MONDO:0011759, OMIM 607015.
Inborn genetic diseases. Identifiers: MedGen C0950123, MeSH D030342.
Mucopolysaccharidosis type 1. Also called: Mucopolysaccharidosis Type I; IDUA deficiency; MPS I. Identifiers: Orphanet 579, MedGen C0023786, MONDO:0001586.
Mucopolysaccharidosis, MPS-I-S. Also called: Scheie Syndrome; MUCOPOLYSACCHARIDOSIS TYPE IS; MPS V; MUCOPOLYSACCHARIDOSIS TYPE V. Identifiers: Orphanet 93474, MedGen C0026708, MONDO:0011760, OMIM 607016.
Hurler syndrome. Also called: MUCOPOLYSACCHARIDOSIS TYPE IH; Gargoylism, Hurler Syndrome; Severe MPS I (Hurler Syndrome). Identifiers: Orphanet 93473, MedGen C0086795, MONDO:0011758, OMIM 607014.

Allele frequency attached by ClinVar (database versions not stated): gnomAD 0.04832 and 0.04874; 1000 Genomes Project 0.02995; gnomAD exomes 0.05466 and 0.06071; 1000 Genomes Project 30x 0.03154; ESP Exome Variant Server 0.04779; TOPMed 0.04957; ExAC 0.08571.
gnomAD v4.1: 94,595 of 1,584,762 alleles (6%); highest among the groups gnomAD compares: Middle Eastern, 15%; 3,099 homozygotes.

Submissions (15):

ClinGen Lysosomal Storage Disorder Variant Curation Expert Panel
Classification: Benign for Mucopolysaccharidosis type 1. Last evaluated: 2025-01-02. Review status: reviewed by expert panel. Criteria: ClinGen LSD ACMG Specifications IDUA V1.0.0. Collection method: curation. Allele origin: germline. Inheritance: Autosomal recessive inheritance.
Comment: The NM_000203.5:c.891C>T variant in IDUA is a synonymous (silent) variant (p.Asn297=). The Grpmax Filtering AF (95% confidence) in gnomAD v4.1.0 is 0.1382 in the Middle Eastern population. This is higher than the ClinGen Lysosomal Diseases VCEP’s threshold for BA1 (>0.005), and therefore meets this criterion (BA1). There is a ClinVar entry for this variant (Variation ID: 92649). In summary, this variant meets the criteria to be classified as benign for mucopolysaccharidosis type 1. IDUA-specific ACMG/AMP criteria applied, as specified by the ClinGen Lysosomal Disorders Variant Curation Expert Panel (Specifications Version 1.0.0): BA1. (Classification approved by the ClinGen Lysosomal Diseases Variant Curation Expert Panel on January 2, 2025)

Labcorp Genetics (formerly Invitae), Labcorp
Classification: Benign for Mucopolysaccharidosis type 1. Last evaluated: 2026-02-04. Review status: criteria provided, single submitter. Criteria: Invitae Variant Classification Sherloc (09022015). Collection method: clinical testing. Allele origin: germline. Not counted in ClinVar's aggregate classification.

Ambry Genetics
Classification: Likely benign for Inborn genetic diseases. Last evaluated: 2022-05-19. Review status: criteria provided, single submitter. Criteria: Ambry Variant Classification Scheme 2023. Collection method: clinical testing. Allele origin: germline. Not counted in ClinVar's aggregate classification.

Genome-Nilou Lab
Classification: Benign for Hurler syndrome. Last evaluated: 2021-07-10. Review status: criteria provided, single submitter. Criteria: ACMG Guidelines, 2015. Collection method: clinical testing. Allele origin: germline. Affected: no. Not counted in ClinVar's aggregate classification.

Genome-Nilou Lab
Classification: Benign for Mucopolysaccharidosis, MPS-I-H/S. Last evaluated: 2021-07-10. Review status: criteria provided, single submitter. Criteria: ACMG Guidelines, 2015. Collection method: clinical testing. Allele origin: germline. Affected: no. Not counted in ClinVar's aggregate classification.

Genome-Nilou Lab
Classification: Benign for Mucopolysaccharidosis, MPS-I-S. Last evaluated: 2021-07-10. Review status: criteria provided, single submitter. Criteria: ACMG Guidelines, 2015. Collection method: clinical testing. Allele origin: germline. Affected: no. Not counted in ClinVar's aggregate classification.

GeneDx
Classification: Benign. Last evaluated: 2018-06-13. Review status: criteria provided, single submitter. Criteria: GeneDx Variant Classification (06012015). Collection method: clinical testing. Allele origin: germline. Affected: yes. Not counted in ClinVar's aggregate classification.
Comment: This variant is considered likely benign or benign based on one or more of the following criteria: it is a conservative change, it occurs at a poorly conserved position in the protein, it is predicted to be benign by multiple in silico algorithms, and/or has population frequency not consistent with disease.

Illumina Laboratory Services, Illumina
Classification: Benign for Mucopolysaccharidosis type 1. Last evaluated: 2018-01-13. Review status: criteria provided, single submitter. Criteria: ICSL Variant Classification Criteria 13 December 2019. Collection method: clinical testing. Allele origin: germline. Not counted in ClinVar's aggregate classification.
Comment: This variant was observed in the ICSL laboratory as part of a predisposition screen in an ostensibly healthy population. It had not been previously curated by ICSL or reported in the Human Gene Mutation Database (HGMD: prior to June 1st, 2018), and was therefore a candidate for classification through an automated scoring system. Utilizing variant allele frequency, disease prevalence and penetrance estimates, and inheritance mode, an automated score was calculated to assess if this variant is too frequent to cause the disease. Based on the score and internal cut-off values, a variant classified as benign is not then subjected to further curation. The score for this variant resulted in a classification of benign for this disease.

Eurofins Ntd Llc (ga)
Classification: Benign. Last evaluated: 2013-08-27. Review status: criteria provided, single submitter. Criteria: EGL Classification Definitions 2015. Collection method: clinical testing. Allele origin: germline. Observed: 11 variant alleles, 10 heterozygotes, 1 homozygote. Not counted in ClinVar's aggregate classification.

Breakthrough Genomics
Classification: Benign. Review status: criteria provided, single submitter. Criteria: ACMG Guidelines, 2015. Collection method: not provided. Allele origin: germline. Inheritance: Autosomal recessive inheritance. Affected: yes. Not counted in ClinVar's aggregate classification.

Natera, Inc.
Classification: Benign for Mucopolysaccharidosis type I. Last evaluated: 2017-05-11. Review status: no assertion criteria provided. Collection method: clinical testing. Allele origin: germline. Not counted in ClinVar's aggregate classification.

Mayo Clinic Laboratories, Mayo Clinic
Classification: Benign. Last evaluated: 2015-10-23. Review status: no assertion criteria provided. Collection method: clinical testing. Allele origin: unknown. Not counted in ClinVar's aggregate classification.

Clinical Genetics DNA and cytogenetics Diagnostics Lab, Erasmus MC, Erasmus Medical Center
Classification: Benign. Review status: no assertion criteria provided. Collection method: clinical testing. Allele origin: germline. Affected: yes. Study: VKGL Data-share Consensus. Not counted in ClinVar's aggregate classification.

Clinical Genetics, Academic Medical Center
Classification: Benign. Review status: no assertion criteria provided. Collection method: clinical testing. Allele origin: germline. Affected: yes. Study: VKGL Data-share Consensus. Not counted in ClinVar's aggregate classification.

Joint Genome Diagnostic Labs from Nijmegen and Maastricht, Radboudumc and MUMC+
Classification: Benign. Review status: no assertion criteria provided. Collection method: clinical testing. Allele origin: germline. Affected: yes. Study: VKGL Data-share Consensus. Not counted in ClinVar's aggregate classification.

NM_000203.5(IDUA):c.891C>T (p.Asn297=)

Gene: IDUA (alpha-L-iduronidase; plus strand). Cytogenetic location: 4p16.3.
Variant type: single nucleotide variant.
Coding change: c.891C>T on transcript NM_000203.5 (MANE Select); coding-DNA position 891, C replaced by T.
Protein change: p.Asn297=; no amino-acid change (asparagine 297 retained).
Molecular consequence: synonymous variant. On other transcripts: non-coding transcript variant (1).
Genome position (GRCh38, 1-based): chr4:1,002,080, C>T. VCF-style: chr4-1002080-C-T. GRCh37 (hg19) VCF-style: chr4-995868-C-T.
Other names: NM_000203.5(IDUA):c.891C>T; p.Asn297=; c.495C>T, p.Asn165= (NM_001363576.1).
Identifiers: ClinVar variation 92649 (VCV000092649.35), dbSNP rs114806891, ClinGen allele CA145890.
Genomic context (GRCh38, chr4:1,002,080, plus strand): 5'-GGTCGTCGCGCAGCAGATCCGGCAGCTCTTCCCCAAGTTCGCGGACACCCCCATTTACAA[C>T]GACGAGGCGGACCCGCTGGTGGGCTGGTCCCTGCCACAGCCGTGGAGGGCGGACGTGACC-3'
Protein context (NP_000194.2, residues 287-307): FPKFADTPIY[Asn297=]DEADPLVGWS